The following is an entry in ClinVar:

NM_052874.5(STX1B):c.212A>C (p.Lys71Thr)

Gene: STX1B (syntaxin 1B; minus strand). Cytogenetic location: 16p11.2.
Variant type: single nucleotide variant.
Coding change: c.212A>C on transcript NM_052874.5 (MANE Select); coding-DNA position 212, A replaced by C.
Protein change: p.Lys71Thr; replaces lysine 71 with threonine.
Molecular consequence: missense variant.
Genome position (GRCh38, 1-based): chr16:31,000,996, T>G on the plus strand (A>C on the coding strand, the complement: STX1B is on the minus strand). VCF-style: chr16-31000996-T-G. GRCh37 (hg19) VCF-style: chr16-31012317-T-G.
Other names: c.212A>C (NM_052874.3); short protein forms K71T.
Identifiers: ClinVar variation 3651952 (VCV003651952.3).
Genomic context (GRCh38, chr16:31,000,996, plus strand): 5'-TTGGACCGAACCTTGTTGGCCGTCTTCTTGATGTCTGCAGTGAGATCCTCCAGCTCCTGT[T>G]TGGTCTCTGAGGGGAGGGCGAGGGCAAGTGAGATGTCTGGGTGGGAACCCCAGGCCCCTT-3'
Protein context (NP_443106.1, residues 61-81): LAAPNPDEKT[Lys71Thr]QELEDLTADI

ClinVar aggregate classification (germline): Uncertain significance. Review status: criteria provided, multiple submitters, no conflicts (2 of 4 stars). 2 submissions from 2 submitters: Uncertain significance (2). Last evaluated 2024-10-22.

Conditions:
Generalized epilepsy with febrile seizures plus, type 9 (GEFSP9). Also called: GEFS+, TYPE 9. Identifiers: Orphanet 36387, MedGen C4015395, MONDO:0014517, OMIM 616172.

Submissions (2):

GeneDx
Classification: Uncertain significance. Last evaluated: 2024-10-22. Review status: criteria provided, single submitter. Criteria: GeneDx Variant Classification Process June 2021. Collection method: clinical testing. Allele origin: germline. Affected: yes.
Comment: Not observed at significant frequency in large population cohorts (gnomAD); In silico analysis supports that this missense variant has a deleterious effect on protein structure/function; Has not been previously published as pathogenic or benign to our knowledge

Labcorp Genetics (formerly Invitae), Labcorp
Classification: Uncertain significance for Generalized epilepsy with febrile seizures plus, type 9. Last evaluated: 2024-05-02. Review status: criteria provided, single submitter. Criteria: Invitae Variant Classification Sherloc (09022015). Collection method: clinical testing. Allele origin: germline.
Comment: This sequence change replaces lysine, which is basic and polar, with threonine, which is neutral and polar, at codon 71 of the STX1B protein (p.Lys71Thr). This variant is not present in population databases (gnomAD no frequency). This variant has not been reported in the literature in individuals affected with STX1B-related conditions. Advanced modeling of protein sequence and biophysical properties (such as structural, functional, and spatial information, amino acid conservation, physicochemical variation, residue mobility, and thermodynamic stability) performed at Invitae indicates that this missense variant is not expected to disrupt STX1B protein function with a negative predictive value of 80%. In summary, the available evidence is currently insufficient to determine the role of this variant in disease. Therefore, it has been classified as a Variant of Uncertain Significance.